The following is an entry in ClinVar:

NM_000292.3(PHKA2):c.2764C>T (p.Gln922Ter)

Gene: PHKA2 (phosphorylase kinase regulatory subunit alpha 2; minus strand). Cytogenetic location: Xp22.13.
Variant type: single nucleotide variant.
Coding change: c.2764C>T on transcript NM_000292.3 (MANE Select); coding-DNA position 2764, C replaced by T.
Protein change: p.Gln922Ter; replaces glutamine 922 with a stop codon.
Molecular consequence: nonsense.
Genome position (GRCh38, 1-based): chrX:18,906,537, G>A on the plus strand (C>T on the coding strand, the complement: PHKA2 is on the minus strand). VCF-style: chrX-18906537-G-A. GRCh37 (hg19) VCF-style: chrX-18924655-G-A.
Other names: c.2764C>T, p.Gln922Ter (NM_001440800.1, NM_001440801.1, NM_001440805.1); c.2665C>T, p.Gln889Ter (NM_001440802.1, NM_001440803.1, NM_001440804.1); short protein forms Q889*, Q922*.
Identifiers: ClinVar variation 4854204 (VCV004854204.1).

ClinVar aggregate classification (germline): Likely pathogenic (1 of 4 stars; one submission).

Conditions:
Glycogen storage disease IXa1. Also called: LIVER GLYCOGENOSIS, X-LINKED, TYPE I; GLYCOGEN STORAGE DISEASE VIII; GSD VIII; Glycogen storage disease 8. Identifiers: Orphanet 264580, MedGen C3694531, MONDO:0010598, OMIM 306000.

Submission:

3billion
Classification: Likely pathogenic for Glycogen storage disease IXa1. Last evaluated: 2025-08-26. Review status: criteria provided, single submitter. Criteria: ACMG Guidelines, 2015. Collection method: clinical testing. Allele origin: germline. Affected: yes.
Comment: The variant is not observed in the gnomAD v4.1.0 dataset. Predicted Consequence/Location: Stop-gained (nonsense): predicted to result in a loss or disruption of normal protein function through nonsense-mediated decay (NMD) or protein truncation. Multiple pathogenic variants are reported downstream of the variant. Therefore, this variant is classified as Likely pathogenic according to the recommendation of ACMG/AMP guideline.